The following is an entry in ClinVar:

ClinVar aggregate classification (germline): Conflicting classifications of pathogenicity. Review status: criteria provided, conflicting classifications (1 of 4 stars). 4 submissions from 4 submitters: Uncertain significance (3); Likely benign (1). Last evaluated 2025-12-19.

Conditions:
Hereditary cancer-predisposing syndrome. Also called: Neoplastic Syndromes, Hereditary; Tumor predisposition; Hereditary Cancer Syndrome; Hereditary neoplastic syndrome. Identifiers: Orphanet 140162, MedGen C0027672, MeSH D009386, MONDO:0015356.
Hereditary breast ovarian cancer syndrome. Also called: Breast and ovarian cancer; BRCA1- and BRCA2-Associated Hereditary Breast and Ovarian Cancer; Hereditary breast and ovarian cancer; Hereditary breast and ovarian cancer syndrome (HBOC); Hereditary breast and/or ovarian cancer syndrome; Hereditary breast and ovarian cancer syndrome. Identifiers: Orphanet 145, MedGen C0677776, MeSH D061325, MONDO:0003582. Disease mechanism: loss of function.

Submissions (4):

Women's Health and Genetics/Laboratory Corporation of America, LabCorp
Classification: Uncertain significance. Last evaluated: 2025-12-19. Review status: criteria provided, single submitter. Criteria: LabCorp Variant Classification Summary - May 2015. Collection method: clinical testing. Allele origin: germline.

Color Diagnostics, LLC DBA Color Health
Classification: Uncertain significance for Hereditary cancer-predisposing syndrome. Last evaluated: 2025-06-23. Review status: criteria provided, single submitter. Criteria: ACMG Guidelines, 2015. Collection method: clinical testing. Allele origin: germline.
Comment: This missense variant replaces serine with asparagine at codon 3123 of the BRCA2 protein. Computational prediction is inconclusive regarding the impact of this variant on protein structure and function. To our knowledge, functional studies have not been reported for this variant. This variant has not been reported in individuals affected with BRCA2-related disorders in the literature. This variant has not been identified in the general population by the Genome Aggregation Database (gnomAD). The available evidence is insufficient to determine the role of this variant in disease conclusively. Therefore, this variant is classified as a Variant of Uncertain Significance.

Ambry Genetics
Classification: Likely benign for Hereditary cancer-predisposing syndrome. Last evaluated: 2025-05-16. Review status: criteria provided, single submitter. Criteria: Ambry Variant Classification Scheme 2023. Collection method: clinical testing. Allele origin: germline.

Labcorp Genetics (formerly Invitae), Labcorp
Classification: Uncertain significance for Hereditary breast ovarian cancer syndrome. Last evaluated: 2023-03-31. Review status: criteria provided, single submitter. Criteria: Invitae Variant Classification Sherloc (09022015). Collection method: clinical testing. Allele origin: germline.
Comment: In summary, the available evidence is currently insufficient to determine the role of this variant in disease. Therefore, it has been classified as a Variant of Uncertain Significance. Advanced modeling of protein sequence and biophysical properties (such as structural, functional, and spatial information, amino acid conservation, physicochemical variation, residue mobility, and thermodynamic stability) performed at Invitae indicates that this missense variant is not expected to disrupt BRCA2 protein function. ClinVar contains an entry for this variant (Variation ID: 648830). This variant has not been reported in the literature in individuals affected with BRCA2-related conditions. This variant is not present in population databases (gnomAD no frequency). This sequence change replaces serine, which is neutral and polar, with asparagine, which is neutral and polar, at codon 3123 of the BRCA2 protein (p.Ser3123Asn).

NM_000059.4(BRCA2):c.9368G>A (p.Ser3123Asn)

Gene: BRCA2 (BRCA2 DNA repair associated; plus strand). Cytogenetic location: 13q13.1.
Variant type: single nucleotide variant.
Coding change: c.9368G>A on transcript NM_000059.4 (MANE Select); coding-DNA position 9368, G replaced by A.
Protein change: p.Ser3123Asn; replaces serine 3123 with asparagine.
Molecular consequence: missense variant.
Genome position (GRCh38, 1-based): chr13:32,394,800, G>A. VCF-style: chr13-32394800-G-A. GRCh37 (hg19) VCF-style: chr13-32968937-G-A.
Other names: short protein forms S3123N.
Identifiers: ClinVar variation 648830 (VCV000648830.12), dbSNP rs1593199801, ClinGen allele CA387761182.
Genomic context (GRCh38, chr13:32,394,800, plus strand): 5'-TAAAGTTTTGGATAGACCTTAATGAGGACATTATTAAGCCTCATATGTTAATTGCTGCAA[G>A]CAACCTCCAGTGGCGACCAGAATCCAAATCAGGCCTTCTTACTTTATTTGCTGGAGATTT-3'
Protein context (NP_000050.3, residues 3113-3133): IIKPHMLIAA[Ser3123Asn]NLQWRPESKS